The following is an entry in ClinVar:

NM_144573.4(NEXN):c.201G>A (p.Trp67Ter)

Gene: NEXN (nexilin F-actin binding protein; plus strand). Cytogenetic location: 1p31.1.
Variant type: single nucleotide variant.
Coding change: c.201G>A on transcript NM_144573.4 (MANE Select); coding-DNA position 201, G replaced by A.
Protein change: p.Trp67Ter; replaces tryptophan 67 with a stop codon.
Molecular consequence: nonsense. On other transcripts: intron variant (1).
Genome position (GRCh38, 1-based): chr1:77,917,739, G>A. VCF-style: chr1-77917739-G-A. GRCh37 (hg19) VCF-style: chr1-78383424-G-A.
Other names: c.28-221G>A (NM_001172309.2); c.201G>A (NM_144573.3); short protein forms W67*.
Identifiers: ClinVar variation 1409607 (VCV001409607.10), dbSNP rs999958582, ClinGen allele CA24705210.
Genomic context (GRCh38, chr1:77,917,739, plus strand): 5'-AAGGAGATCTAGAGACGAAAAACAAAGAAGAAAAGAACAATATATTAGAGAGAGAGAATG[G>A]AACAGGAGAAAGCAGGAGGTTATTTTATTTTACTTTATTCTCGTGAAAATATTTGTTTGC-3'

ClinVar aggregate classification (germline): Conflicting classifications of pathogenicity. Review status: criteria provided, conflicting classifications (1 of 4 stars). 4 submissions from 4 submitters: Pathogenic (1); Likely pathogenic (2); Uncertain significance (1). Last evaluated 2026-08-05.

Conditions:
Dilated cardiomyopathy 1CC (CMD1CC). Identifiers: Orphanet 154, MedGen C2751084, MONDO:0013147, OMIM 613122.
Hypertrophic cardiomyopathy 20. Identifiers: MedGen C3151267, MONDO:0013477, OMIM 613876.
Cardiomyopathy (CMYO). Also called: Cardiomyopathies. Identifiers: Orphanet 167848, MedGen C0878544, MONDO:0004994, HP:0001638. Inheritance: Various modes of inheritance.
Cardiovascular phenotype. Identifiers: MedGen CN230736.

Allele frequency attached by ClinVar (database versions not stated): TOPMed below 0.00001.
gnomAD v4.1: 20 of 1,606,890 alleles (0.0012%); highest among the groups gnomAD compares: Non-Finnish European, 0.0017%; no homozygotes.

Submissions (4):

GeneDx
Classification: Likely pathogenic. Last evaluated: 2026-08-05. Review status: criteria provided, single submitter. Criteria: GeneDx Variant Classification Process June 2021. Collection method: clinical testing. Allele origin: germline.
Comment: Reported in a patient with pediatric-onset left ventricular non-compaction/dilated cardiomyopathy, a patient with hypertrophic cardiomyopathy diagnosed in late adulthood, and a patient with spontaneous coronary artery dissection, but familial segregation information was not provided for these individuals (PMID: 40932142, 37477868, 38059363, 40194966); Nonsense variant predicted to result in protein truncation or nonsense mediated decay in a gene for which loss of function is a known mechanism of disease; Not observed at significant frequency in large population cohorts (gnomAD); This variant is associated with the following publications: (PMID: 38642551, 38985384, 40194966, 38059363, 37477868, 40932142)

Labcorp Genetics (formerly Invitae), Labcorp
Classification: Pathogenic for Dilated cardiomyopathy 1CC; Hypertrophic cardiomyopathy 20. Last evaluated: 2026-01-15. Review status: criteria provided, single submitter. Criteria: Invitae Variant Classification Sherloc (09022015). Collection method: clinical testing. Allele origin: germline.
Comment: This sequence change creates a premature translational stop signal (p.Trp67*) in the NEXN gene. It is expected to result in an absent or disrupted protein product. Loss-of-function variants in NEXN are known to be pathogenic (PMID: 19881492, 32058062, 32814711, 32870709, 33949776, 38059363, 40680702). This variant is not present in population databases (gnomAD no frequency). This premature translational stop signal has been observed in individual(s) with hypertrophic cardiomyopathy (PMID: 38059363). ClinVar contains an entry for this variant (Variation ID: 1409607). For these reasons, this variant has been classified as Pathogenic.

Ambry Genetics
Classification: Uncertain significance for Cardiovascular phenotype. Last evaluated: 2024-06-20. Review status: criteria provided, single submitter. Criteria: Ambry Variant Classification Scheme 2023. Collection method: clinical testing. Allele origin: germline.
Comment: The p.W67* variant (also known as c.201G>A), located in coding exon 2 of the NEXN gene, results from a G to A substitution at nucleotide position 201. This changes the amino acid from a tryptophan to a stop codon within coding exon 2. This variant has been reported in a pediatric cardiomyopathy cohort (Akinrinade O et al. J Cardiovasc Transl Res, 2023 Dec;16:1287-1302). This alteration is expected to result in loss of function by premature protein truncation or nonsense-mediated mRNA decay. However, this region of the NEXN gene is excluded from other biologically relevant NEXN transcripts. Based on the available evidence, the clinical significance of this alteration remains unclear.

CHEO Genetics Diagnostic Laboratory, Children's Hospital of Eastern Ontario
Classification: Likely pathogenic for Cardiomyopathy. Last evaluated: 2021-08-07. Review status: criteria provided, single submitter. Criteria: ACMG Guidelines, 2015. Collection method: clinical testing. Allele origin: germline.

Literature cited by the submitters: PubMed 19881492 (cited by Labcorp Genetics (formerly Invitae), Labcorp); PubMed 32058062 (cited by Labcorp Genetics (formerly Invitae), Labcorp); PubMed 32814711 (cited by Labcorp Genetics (formerly Invitae), Labcorp); PubMed 32870709 (cited by Labcorp Genetics (formerly Invitae), Labcorp); PubMed 33949776 (cited by Labcorp Genetics (formerly Invitae), Labcorp); PubMed 38059363 (cited by Labcorp Genetics (formerly Invitae), Labcorp); PubMed 40680702 (cited by Labcorp Genetics (formerly Invitae), Labcorp); PubMed 37477868 (cited by Ambry Genetics).